The following is an entry in ClinVar:

ClinVar aggregate classification (germline): Uncertain significance (1 of 4 stars; one submission).

Conditions:
Familial hemiplegic migraine. Identifiers: MedGen C0338484, MONDO:0000700.

Allele frequency attached by ClinVar (database versions not stated): gnomAD exomes 0.00001; ExAC 0.00004.
gnomAD v4.1: 6 of 1,614,116 alleles (0.00037%); highest among the groups gnomAD compares: Non-Finnish European, 0.00051%; no homozygotes.

Submission:

Labcorp Genetics (formerly Invitae), Labcorp
Classification: Uncertain significance for Familial hemiplegic migraine. Last evaluated: 2023-12-29. Review status: criteria provided, single submitter. Criteria: Invitae Variant Classification Sherloc (09022015). Collection method: clinical testing. Allele origin: germline.
Comment: This sequence change falls in intron 4 of the ATP1A2 gene. It does not directly change the encoded amino acid sequence of the ATP1A2 protein. It affects a nucleotide within the consensus splice site. This variant is present in population databases (rs749713730, gnomAD 0.004%). This variant has not been reported in the literature in individuals affected with ATP1A2-related conditions. Variants that disrupt the consensus splice site are a relatively common cause of aberrant splicing (PMID: 17576681, 9536098). Algorithms developed to predict the effect of sequence changes on RNA splicing suggest that this variant may disrupt the consensus splice site. In summary, the available evidence is currently insufficient to determine the role of this variant in disease. Therefore, it has been classified as a Variant of Uncertain Significance.

Literature cited by the submitters: PubMed 17576681; PubMed 9536098.

NM_000702.4(ATP1A2):c.381+5G>A

Gene: ATP1A2 (ATPase Na+/K+ transporting subunit alpha 2; plus strand). Cytogenetic location: 1q23.2.
Variant type: single nucleotide variant.
Coding change: c.381+5G>A on transcript NM_000702.4 (MANE Select); 5 bases into the intron after coding-DNA position 381, G replaced by A.
Molecular consequence: intron variant.
Genome position (GRCh38, 1-based): chr1:160,123,421, G>A. VCF-style: chr1-160123421-G-A. GRCh37 (hg19) VCF-style: chr1-160093211-G-A.
Identifiers: ClinVar variation 2874387 (VCV002874387.3), dbSNP rs749713730, ClinGen allele CA1194163.